The following is an entry in ClinVar:

ClinVar aggregate classification (germline): Uncertain significance (1 of 4 stars; one submission).

Conditions:
Encephalopathy, acute, infection-induced (herpes-specific), susceptibility to, 1. Also called: Herpes simplex encephalitis, susceptibility to, 1. Identifiers: Orphanet 1930, MedGen C2750180, MONDO:0024563, OMIM 610551.

Allele frequency attached by ClinVar (database versions not stated): TOPMed 0.00001; gnomAD exomes 0.00001.
gnomAD v4.1: 4 of 1,603,588 alleles (0.00025%); highest among the groups gnomAD compares: Admixed American, 0.0017%; no homozygotes.

Submission:

Labcorp Genetics (formerly Invitae), Labcorp
Classification: Uncertain significance for Encephalopathy, acute, infection-induced (herpes-specific), susceptibility to, 1. Last evaluated: 2022-02-05. Review status: criteria provided, single submitter. Criteria: Invitae Variant Classification Sherloc (09022015). Collection method: clinical testing. Allele origin: germline.
Comment: This sequence change replaces leucine, which is neutral and non-polar, with valine, which is neutral and non-polar, at codon 302 of the UNC93B1 protein (p.Leu302Val). This variant is present in population databases (no rsID available, gnomAD 0.003%). This variant has not been reported in the literature in individuals affected with UNC93B1-related conditions. Experimental studies and prediction algorithms are not available or were not evaluated, and the functional significance of this variant is currently unknown. In summary, the available evidence is currently insufficient to determine the role of this variant in disease. Therefore, it has been classified as a Variant of Uncertain Significance.

NM_030930.4(UNC93B1):c.904C>G (p.Leu302Val)

Gene: UNC93B1 (unc-93B1 regulator of TLR signaling; minus strand). Cytogenetic location: 11q13.2.
Variant type: single nucleotide variant.
Coding change: c.904C>G on transcript NM_030930.4 (MANE Select); coding-DNA position 904, C replaced by G.
Protein change: p.Leu302Val; replaces leucine 302 with valine.
Molecular consequence: missense variant.
Genome position (GRCh38, 1-based): chr11:67,997,677, G>C on the plus strand (C>G on the coding strand, the complement: UNC93B1 is on the minus strand). VCF-style: chr11-67997677-G-C. GRCh37 (hg19) VCF-style: chr11-67765148-G-C.
Other names: short protein forms L302V.
Identifiers: ClinVar variation 1417826 (VCV001417826.3), dbSNP rs1421037162, ClinGen allele CA381573455.